The following is an entry in ClinVar:

ClinVar aggregate classification (germline): Conflicting classifications of pathogenicity. Review status: criteria provided, conflicting classifications (1 of 4 stars). 10 submissions from 10 submitters: Uncertain significance (7); Likely benign (2). 1 of the submissions does not count toward it. Last evaluated 2025-10-07.

Conditions:
Hereditary cancer-predisposing syndrome. Also called: Tumor predisposition; Hereditary Cancer Syndrome; Neoplastic Syndromes, Hereditary; Hereditary neoplastic syndrome. Identifiers: Orphanet 140162, MedGen C0027672, MeSH D009386, MONDO:0015356.
Hereditary breast ovarian cancer syndrome. Also called: Hereditary breast and/or ovarian cancer syndrome; BRCA1- and BRCA2-Associated Hereditary Breast and Ovarian Cancer; Hereditary breast and ovarian cancer; Hereditary breast and ovarian cancer syndrome (HBOC); Breast and ovarian cancer; Hereditary breast and ovarian cancer syndrome. Identifiers: Orphanet 145, MedGen C0677776, MeSH D061325, MONDO:0003582. Disease mechanism: loss of function.
Breast-ovarian cancer, familial, susceptibility to, 2 (BROVCA2). Also called: BRCA2 Hereditary Breast and Ovarian Cancer. Identifiers: Orphanet 145, MedGen C2675520, MONDO:0012933, OMIM 612555. Disease mechanism: loss of function.
Familial cancer of breast. Also called: Hereditary breast cancer; BREAST CANCER, FAMILIAL; hereditary breast carcinoma. Identifiers: Orphanet 227535, MedGen C0346153, MONDO:0016419, OMIM 114480. Disease mechanism: loss of function.

Allele frequency attached by ClinVar (database versions not stated): ExAC 0.00002; gnomAD exomes 0.00002; gnomAD 0.00003; TOPMed 0.00005; ESP Exome Variant Server 0.00008.
gnomAD v4.1: 11 of 1,613,772 alleles (0.00068%); highest among the groups gnomAD compares: African/African-American, 0.013%; no homozygotes.

Submissions (10):

Labcorp Genetics (formerly Invitae), Labcorp
Classification: Uncertain significance for Hereditary breast ovarian cancer syndrome. Last evaluated: 2025-10-07. Review status: criteria provided, single submitter. Criteria: Invitae Variant Classification Sherloc (09022015). Collection method: clinical testing. Allele origin: germline.
Comment: This sequence change replaces glutamine, which is neutral and polar, with arginine, which is basic and polar, at codon 2561 of the BRCA2 protein (p.Gln2561Arg). This variant is present in population databases (rs55647716, gnomAD 0.02%). This missense change has been observed in individual(s) with head and neck squamous cell carcinoma and pancreatic cancer (PMID: 26689913, 28767289, 29309945, 29625052). ClinVar contains an entry for this variant (Variation ID: 216258). Invitae Evidence Modeling of protein sequence and biophysical properties (such as structural, functional, and spatial information, amino acid conservation, physicochemical variation, residue mobility, and thermodynamic stability) indicates that this missense variant is not expected to disrupt BRCA2 protein function with a negative predictive value of 95%. Experimental studies have shown that this missense change does not substantially affect BRCA2 function (PMID: 35736817). In summary, the available evidence is currently insufficient to determine the role of this variant in disease. Therefore, it has been classified as a Variant of Uncertain Significance.

Women's Health and Genetics/Laboratory Corporation of America, LabCorp
Classification: Uncertain significance. Last evaluated: 2025-08-27. Review status: criteria provided, single submitter. Criteria: LabCorp Variant Classification Summary - May 2015. Collection method: clinical testing. Allele origin: germline.
Comment: Variant summary: BRCA2 c.7682A>G (p.Gln2561Arg) results in a conservative amino acid change located in the Breast cancer type 2 susceptibility protein, helical domain of the encoded protein sequence. Algorithms developed to predict the effect of missense changes on protein structure and function are either unavailable or do not agree on the potential impact of this missense change. The variant allele was found at a frequency of 1.6e-05 in 251286 control chromosomes. The available data on variant occurrences in the general population are insufficient to allow any conclusion about variant significance. c.7682A>G has been observed in individual(s) affected with Cancer without evidence for causality. These report(s) do not provide unequivocal conclusions about association of the variant with Hereditary Breast And Ovarian Cancer Syndrome. At least one publication reports experimental evidence evaluating an impact on protein function (Hu_2024), and shows no damaging effect of the variant. The following publications have been ascertained in the context of this evaluation (PMID: 29309945, 38417439, 26689913, 28767289). ClinVar contains an entry for this variant (Variation ID: 216258). Based on the evidence outlined above, the variant was classified as uncertain significance.

Color Diagnostics, LLC DBA Color Health
Classification: Uncertain significance for Hereditary cancer-predisposing syndrome. Last evaluated: 2025-06-17. Review status: criteria provided, single submitter. Criteria: ACMG Guidelines, 2015. Collection method: clinical testing. Allele origin: germline.
Comment: This missense variant replaces glutamine with arginine at codon 2561 of the BRCA2 protein. Computational prediction suggests that this variant may not impact protein structure and function. A functional study has shown this variant to have a neutral effect on homology-directed repair function (PMID: 35736817). This variant has been reported in individuals affected with head and neck squamous cell carcinoma (PMID: 26689913) and pancreatic cancer (PMID: 28767289, 29309945). This variant has also been identified in 5/282686 chromosomes in the general population by the Genome Aggregation Database (gnomAD). The available evidence is insufficient to determine the role of this variant in disease conclusively. Therefore, this variant is classified as a Variant of Uncertain Significance.

Mayo Clinic Laboratories, Mayo Clinic
Classification: Likely benign. Last evaluated: 2025-04-17. Review status: criteria provided, single submitter. Criteria: ACMG Guidelines, 2015. Collection method: clinical testing. Allele origin: germline. Observed: 1 variant allele.
Comment: BS1_supporting, BP4

Baylor Genetics
Classification: Uncertain significance for Familial cancer of breast. Last evaluated: 2023-08-21. Review status: criteria provided, single submitter. Criteria: ACMG Guidelines, 2015. Collection method: clinical testing. Allele origin: unknown.

Quest Diagnostics Nichols Institute San Juan Capistrano
Classification: Uncertain significance. Last evaluated: 2023-07-04. Review status: criteria provided, single submitter. Criteria: Quest Diagnostics criteria. Collection method: clinical testing. Allele origin: unknown.
Comment: In the published literature, this variant has been reported in individuals with pancreatic cancer and head and neck squamous cell carcinoma ((PMIDs: 26689913 (2015), 28767289 (2017), 29309945 (2018), 29625052 (2018)). This variant has also been reported to have a neutral effect on BRCA2 homology directed repair activity (PMID: 35736817 (2022)). The frequency of this variant in the general population, 0.0002 (5/24968 chromosomes (Genome Aggregation Database)), is uninformative in the assessment of its pathogenicity. Analysis of this variant using bioinformatics tools for the prediction of the effect of amino acid changes on protein structure and function yielded predictions that this variant is benign. Based on the available information, we are unable to determine the clinical significance of this variant.

GeneDx
Classification: Uncertain significance. Last evaluated: 2022-09-01. Review status: criteria provided, single submitter. Criteria: GeneDx Variant Classification Process June 2021. Collection method: clinical testing. Allele origin: germline. Affected: yes.
Comment: Observed in individuals with pancreatic cancer and head and neck squamous cell carcinoma (Lu et al., 2015; Shindo et al., 2017; Huang et al., 2018; Hu et al., 2020); Not observed at significant frequency in large population cohorts (gnomAD); In silico analysis supports that this missense variant does not alter protein structure/function; Also known as 7910A>G; This variant is associated with the following publications: (PMID: 26689913, 33281875, 28767289, 29625052, 32659497, 29309945, 12228710)

ARUP Laboratories, Molecular Genetics and Genomics, ARUP Laboratories
Classification: Uncertain significance. Last evaluated: 2022-01-04. Review status: criteria provided, single submitter. Criteria: ARUP Molecular Germline Variant Investigation Process 2021. Collection method: clinical testing. Allele origin: germline.
Comment: The BRCA2 c.7682A>G; p.Gln2561Arg variant (rs55647716) is reported in the literature in individuals with pancreatic cancer (Blair 2018, Shindo 2017), and in an individual with head and neck squamous cell carcinoma (Huang 2018). This variant is also reported in ClinVar (Variation ID: 216258). It is found in the general population with an overall allele frequency of 0.002% (5/282686 alleles) in the Genome Aggregation Database. The glutamine is moderately conserved, and computational analyses are uncertain whether this variant is neutral or deleterious (REVEL: 0.435). Based on available information, the clinical significance of this variant is uncertain at this time. References: Blair AB et al. BRCA1/BRCA2 Germline Mutation Carriers and Sporadic Pancreatic Ductal Adenocarcinoma. J Am Coll Surg. 2018 Apr;226(4):630-637.e1. PMID: 29309945. Huang KL et al. Pathogenic Germline Variants in 10,389 Adult Cancers. Cell. 2018 Apr 5;173(2):355-370.e14. PMID: 29625052. Shindo K et al. Deleterious Germline Mutations in Patients With Apparently Sporadic Pancreatic Adenocarcinoma. J Clin Oncol. 2017 Oct 20;35(30):3382-3390. PMID: 28767289.

Ambry Genetics
Classification: Likely benign for Hereditary cancer-predisposing syndrome. Last evaluated: 2022-01-04. Review status: criteria provided, single submitter. Criteria: Ambry Variant Classification Scheme 2023. Collection method: clinical testing. Allele origin: germline.

Counsyl
Classification: Uncertain significance for Breast-ovarian cancer, familial, susceptibility to, 2. Last evaluated: 2016-06-21. Review status: no assertion criteria provided. Collection method: clinical testing. Allele origin: unknown. Not counted in ClinVar's aggregate classification.

Literature cited by the submitters: PubMed 26689913 (cited by 6 submitters); PubMed 28767289 (cited by 4 submitters); PubMed 29309945 (cited by 5 submitters); PubMed 29625052 (cited by 3 submitters); PubMed 35736817 (cited by 3 submitters); PubMed 38417439 (cited by Women's Health and Genetics/Laboratory Corporation of America, LabCorp); PubMed 32659497 (cited by Ambry Genetics).

NM_000059.4(BRCA2):c.7682A>G (p.Gln2561Arg)

Gene: BRCA2 (BRCA2 DNA repair associated; plus strand). Cytogenetic location: 13q13.1.
Variant type: single nucleotide variant.
Coding change: c.7682A>G on transcript NM_000059.4 (MANE Select); coding-DNA position 7682, A replaced by G.
Protein change: p.Gln2561Arg; replaces glutamine 2561 with arginine.
Molecular consequence: missense variant.
Genome position (GRCh38, 1-based): chr13:32,357,806, A>G. VCF-style: chr13-32357806-A-G. GRCh37 (hg19) VCF-style: chr13-32931943-A-G.
Other names: p.Gln2561Arg; short protein forms Q2561R.
Identifiers: ClinVar variation 216258 (VCV000216258.32), dbSNP rs55647716, ClinGen allele CA336029.